The following is an entry in ClinVar:

ClinVar aggregate classification (germline): Likely benign (0 of 4 stars; one submission).

Conditions:
COL4A1-related disorder. Also called: COL4A1-related condition; COL4A1-related disorders. Identifiers: MedGen CN376119, MONDO:0800461.

Allele frequency attached by ClinVar (database versions not stated): ExAC 0.00001; gnomAD 0.00001; TOPMed 0.00001.
gnomAD v4.1: 2 of 1,583,954 alleles (0.00013%); highest among the groups gnomAD compares: African/African-American, 0.0027%; no homozygotes.

Submission:

PreventionGenetics, part of Exact Sciences
Classification: Likely benign for COL4A1-related condition. Last evaluated: 2022-06-03. Review status: no assertion criteria provided. Collection method: clinical testing. Allele origin: germline.
Comment: This variant is classified as likely benign based on ACMG/AMP sequence variant interpretation guidelines (Richards et al. 2015 PMID: 25741868, with internal and published modifications).

NM_001845.6(COL4A1):c.3877-23C>G

Gene: COL4A1 (collagen type IV alpha 1 chain; minus strand). Cytogenetic location: 13q34.
Variant type: single nucleotide variant.
Coding change: c.3877-23C>G on transcript NM_001845.6 (MANE Select); 23 bases into the intron before coding-DNA position 3877, C replaced by G.
Molecular consequence: intron variant.
Genome position (GRCh38, 1-based): chr13:110,167,253, G>C on the plus strand (C>G on the coding strand, the complement: COL4A1 is on the minus strand). VCF-style: chr13-110167253-G-C. GRCh37 (hg19) VCF-style: chr13-110819600-G-C.
Identifiers: ClinVar variation 3048399 (VCV003048399.2), dbSNP rs771376608, ClinGen allele CA7047111.
Genomic context (GRCh38, chr13:110,167,253, plus strand): 5'-CCCTTAGAGCCTGTGATTCCTGGAGAGCCACCAATACCCTAGACACGCAAAGAGGAGGTT[G>C]GGAATTGCTCAGGATATGTAGGTTAAGTCTCTCCAGTAACCTGCTAGTTGGAAAATGGAA-3'